The following is an entry in ClinVar:

NM_001127511.3(APC):c.63T>G (p.Val21=)

Gene: APC (APC regulator of Wnt signaling pathway; plus strand). Cytogenetic location: 5q22.2.
Variant type: single nucleotide variant.
Coding change: c.63T>G on transcript NM_001127511.3; coding-DNA position 63, T replaced by G.
Protein change: p.Val21=; no amino-acid change (valine 21 retained).
Molecular consequence: synonymous variant. On other transcripts: 5 prime UTR variant (8), non-coding transcript variant (1), intron variant (5).
Genome position (GRCh38, 1-based): chr5:112,707,780, T>G. VCF-style: chr5-112707780-T-G. GRCh37 (hg19) VCF-style: chr5-112043477-T-G.
Other names: c.63T>G, p.Val21= (NM_001407446.1, NM_001354897.2, NM_001354902.2); c.-121T>G (NM_001407447.1, NM_001407452.1, NM_001407456.1 and 3 more transcripts); c.-1156T>G (NM_001407470.1, NM_001407472.1); c.-19+131T>G (NM_001407448.1, NM_001407450.1, NM_001407457.1 and 1 more transcripts); c.-43+131T>G (NM_001407453.1).
Identifiers: ClinVar variation 1054516 (VCV001054516.9), dbSNP rs1193863027, ClinGen allele CA2499217406.

ClinVar aggregate classification (germline): Uncertain significance (1 of 4 stars; one submission).

Conditions:
Familial adenomatous polyposis 1 (FAP1). Also called: FAMILIAL ADENOMATOUS POLYPOSIS 1, ATTENUATED; POLYPOSIS, ADENOMATOUS INTESTINAL. Identifiers: MedGen C2713442, MONDO:0021056, OMIM 175100. Disease mechanism: loss of function.

Submission:

Labcorp Genetics (formerly Invitae), Labcorp
Classification: Uncertain significance for Familial adenomatous polyposis 1. Last evaluated: 2019-04-12. Review status: criteria provided, single submitter. Criteria: Invitae Variant Classification Sherloc (09022015). Collection method: clinical testing. Allele origin: germline.
Comment: In summary, the available evidence is currently insufficient to determine the role of this variant in disease. Therefore, it has been classified as a Variant of Uncertain Significance. This variant occurs in a non-coding region of the APC gene. It does not change the encoded amino acid sequence of the APC protein. The frequency data for this variant in the population databases is considered unreliable, as metrics indicate insufficient coverage at this position in the ExAC database. This variant has not been reported in the literature in individuals with APC-related conditions. Experimental studies and prediction algorithms are not available for this variant, and the functional significance of this non-coding change is currently unknown.